The following is an entry in ClinVar:

ClinVar aggregate classification (germline): Uncertain significance (1 of 4 stars; one submission).

Submission:

GeneDx
Classification: Uncertain significance. Last evaluated: 2022-11-20. Review status: criteria provided, single submitter. Criteria: GeneDx Variant Classification Process June 2021. Collection method: clinical testing. Allele origin: germline. Affected: yes.
Comment: Not observed at significant frequency in large population cohorts (gnomAD); In silico analysis supports that this missense variant has a deleterious effect on protein structure/function; Has not been previously published as pathogenic or benign to our knowledge

NM_001162501.2(TNRC6B):c.3115G>A (p.Gly1039Arg)

Gene: TNRC6B (trinucleotide repeat containing adaptor 6B; plus strand). Cytogenetic location: 22q13.1.
Variant type: single nucleotide variant.
Coding change: c.3115G>A on transcript NM_001162501.2 (MANE Select); coding-DNA position 3115, G replaced by A.
Protein change: p.Gly1039Arg; replaces glycine 1039 with arginine.
Molecular consequence: missense variant.
Genome position (GRCh38, 1-based): chr22:40,273,574, G>A. VCF-style: chr22-40273574-G-A. GRCh37 (hg19) VCF-style: chr22-40669578-G-A.
Other names: c.874G>A, p.Gly292Arg (NM_001024843.2); c.2956G>A, p.Gly986Arg (NM_015088.3); short protein forms G1039R, G292R, G986R.
Identifiers: ClinVar variation 2502785 (VCV002502785.1), dbSNP rs2070595335, ClinGen allele CA411645402.